The following is an entry in ClinVar:

ClinVar aggregate classification (germline): Conflicting classifications of pathogenicity. Review status: criteria provided, conflicting classifications (1 of 4 stars). 3 submissions from 3 submitters: Uncertain significance (2); Benign (1). Last evaluated 2026-07-09.

Conditions:
TJP2-related disorder. Also called: TJP2-related condition.

Allele frequency attached by ClinVar (database versions not stated): gnomAD exomes 0.00031; TOPMed 0.00034; ExAC 0.00035; 1000 Genomes Project 0.00080; 1000 Genomes Project 30x 0.00094.
gnomAD v4.1: 113 of 1,613,968 alleles (0.007%); highest among the groups gnomAD compares: East Asian, 0.24%; 1 homozygote.

Submissions (3):

PreventionGenetics, part of Exact Sciences
Classification: Uncertain significance for TJP2-related condition. Last evaluated: 2026-07-09. Review status: criteria provided, single submitter. Criteria: ACMG Guidelines, 2015. Collection method: clinical testing. Allele origin: germline.
Comment: The TJP2 c.3160A>G variant is predicted to result in the amino acid substitution p.Thr1054Ala. This variant has been reported in one patient with benign recurrent intrahepatic cholestasis together with a second missense variant of uncertain significance in this gene (Supplementary Table S1 in Zheng et al. 2023. PubMed ID: 37314652). This variant is reported in 0.45% of alleles in individuals of East Asian descent in gnomAD including one homozygous individual. Although we suspect that this variant may be benign, at this time, the clinical significance of this variant is uncertain due to the absence of conclusive functional and genetic evidence.

Labcorp Genetics (formerly Invitae), Labcorp
Classification: Benign. Last evaluated: 2024-02-25. Review status: criteria provided, single submitter. Criteria: Invitae Variant Classification Sherloc (09022015). Collection method: clinical testing. Allele origin: germline.

Eurofins Ntd Llc (ga)
Classification: Uncertain significance. Last evaluated: 2018-05-31. Review status: criteria provided, single submitter. Criteria: EGL ClinVar v180209 classification definitions. Collection method: clinical testing. Allele origin: germline. Observed: 2 variant alleles, 2 heterozygotes.

NM_004817.4(TJP2):c.3160A>G (p.Thr1054Ala)

Gene: TJP2 (tight junction protein 2; plus strand). Cytogenetic location: 9q21.11.
Variant type: single nucleotide variant.
Coding change: c.3160A>G on transcript NM_004817.4 (MANE Select); coding-DNA position 3160, A replaced by G.
Protein change: p.Thr1054Ala; replaces threonine 1054 with alanine.
Molecular consequence: missense variant. On other transcripts: intron variant (3).
Genome position (GRCh38, 1-based): chr9:69,251,203, A>G. VCF-style: chr9-69251203-A-G. GRCh37 (hg19) VCF-style: chr9-71866119-A-G.
Other names: c.3160A>G, p.Thr1054Ala (LRG_1201t1); c.3160A>G (NM_004817.3); c.3061A>G, p.Thr1021Ala (NM_001170415.1); c.3253A>G, p.Thr1085Ala (NM_001170416.2); c.3085A>G, p.Thr1029Ala (NM_001369870.1); c.3091A>G, p.Thr1031Ala (NM_001369871.1); c.3049A>G, p.Thr1017Ala (NM_001369872.1); c.2836A>G, p.Thr946Ala (NM_001369873.1); and 4 more; short protein forms T1054A, T1017A, T1085A, T1031A, T946A, T1029A, T1058A, T1021A.
Identifiers: ClinVar variation 593655 (VCV000593655.11), dbSNP rs57728054, ClinGen allele CA5073896.